The following is an entry in ClinVar:

ClinVar aggregate classification (somatic clinical impact): Tier II - Potential (1 of 4 stars; one submission).

Conditions:
Diffuse midline glioma, H3 K27M-mutant. Identifiers: MedGen C4289688, MONDO:0957196.

Submission:

Institute for Genomic Medicine (IGM) Clinical Laboratory, Nationwide Children's Hospital
Classification: Tier II - Potential for Diffuse midline glioma, H3 K27M-mutant. Assertion type: diagnostic. Clinical significance: supports diagnosis. Last evaluated: 2024-11-18. Review status: criteria provided, single submitter. Criteria: AMP/ASCO/CAP Guidelines, 2017. Collection method: clinical testing. Allele origin: somatic. Affected: yes.
Comment: Variant has Tier II (potential) clinical significance as a diagnostic inclusion criterion in diffuse midline glioma, H3 K27M-mutant, based on the following evidence: 1) Documented in one or more cancer databases (e.g., St. Jude Pecan, COSMIC, CIViC, OncoKB). 2) Assists in diagnosis alone or along with other biomarkers based on small studies or few case reports (Evidence Level D; PMIDs: 27571888, 33987411).

Literature cited by the submitters: PubMed 27571888; PubMed 33987411.

NM_004477.3(FRG1):c.55A>G (p.Thr19Ala)

Gene: FRG1 (FSHD region gene 1; plus strand). Cytogenetic location: 4q35.2.
Variant type: single nucleotide variant.
Coding change: c.55A>G on transcript NM_004477.3 (MANE Select); coding-DNA position 55, A replaced by G.
Protein change: p.Thr19Ala; replaces threonine 19 with alanine.
Molecular consequence: missense variant.
Genome position (GRCh38, 1-based): chr4:189,941,064, A>G. VCF-style: chr4-189941064-A-G. GRCh37 (hg19) VCF-style: chr4-190862219-A-G.
Other names: short protein forms T19A.
Identifiers: ClinVar variation 4530045 (VCV004530045.1).